The following is an entry in ClinVar:

ClinVar aggregate classification (germline): Uncertain significance (1 of 4 stars; one submission).

Conditions:
Hereditary cancer-predisposing syndrome. Also called: Neoplastic Syndromes, Hereditary; Tumor predisposition; Hereditary neoplastic syndrome; Hereditary Cancer Syndrome. Identifiers: Orphanet 140162, MedGen C0027672, MeSH D009386, MONDO:0015356.
Cardiovascular phenotype. Identifiers: MedGen CN230736.

Submission:

Ambry Genetics
Classification: Uncertain significance for Cardiovascular phenotype; Hereditary cancer-predisposing syndrome. Last evaluated: 2022-12-23. Review status: criteria provided, single submitter. Criteria: Ambry Variant Classification Scheme 2023. Collection method: clinical testing. Allele origin: germline.
Comment: The p.T1635A variant (also known as c.4903A>G), located in coding exon 36 of the NF1 gene, results from an A to G substitution at nucleotide position 4903. The threonine at codon 1635 is replaced by alanine, an amino acid with similar properties. This amino acid position is conserved. In addition, the in silico prediction for this alteration is inconclusive. Since supporting evidence is limited at this time, the clinical significance of this alteration remains unclear.

NM_001042492.3(NF1):c.4966A>G (p.Thr1656Ala)

Gene: NF1 (neurofibromin 1; plus strand). Cytogenetic location: 17q11.2.
Variant type: single nucleotide variant.
Coding change: c.4966A>G on transcript NM_001042492.3 (MANE Select); coding-DNA position 4966, A replaced by G.
Protein change: p.Thr1656Ala; replaces threonine 1656 with alanine.
Molecular consequence: missense variant.
Genome position (GRCh38, 1-based): chr17:31,325,950, A>G. VCF-style: chr17-31325950-A-G. GRCh37 (hg19) VCF-style: chr17-29652968-A-G.
Other names: c.4903A>G, p.Thr1635Ala (NM_000267.4); short protein forms T1635A, T1656A.
Identifiers: ClinVar variation 2452246 (VCV002452246.2), dbSNP rs2151537915, ClinGen allele CA399007210.
Genomic context (GRCh38, chr17:31,325,950, plus strand): 5'-GCAAAGCCATATGAAATTGTAGTGGACCTTACCCATACCGGGCCTAGCAATCGCTTTAAA[A>G]CAGACTTTCTCTCTAAGTGGTTTGTTGTTTTTCCTGGCTTTGCTTACGACAACGTCTCCG-3'
Protein context (NP_001035957.1, residues 1646-1666): THTGPSNRFK[Thr1656Ala]DFLSKWFVVF